The following is an entry in ClinVar:

NM_000222.3(KIT):c.1504_1509dup (p.Tyr503_Phe504insAlaTyr)

Gene: KIT (KIT proto-oncogene, receptor tyrosine kinase; plus strand). Cytogenetic location: 4q12.
Variant type: Duplication.
Coding change: c.1504_1509dup on transcript NM_000222.3 (MANE Select); coding-DNA positions 1504 to 1509, 6 bases duplicated (GCCTAT; older notation c.1504_1509dupGCCTAT).
Protein change: p.Tyr503_Phe504insAlaTyr.
Molecular consequence: inframe insertion.
Genome position (GRCh38, 1-based): chr4:54,726,014-54,726,019, GCCTAT duplicated; duplicating any 6 consecutive bases within chr4:54,726,013-54,726,019 gives the same sequence; the c. name uses the placement nearest the transcript's 3' end. VCF-style (leftmost placement, unchanged base first): chr4-54726012-C-CTGCCTA. GRCh37 (hg19) VCF-style: chr4-55592178-C-CTGCCTA.
Other names: c.1504_1509dup, p.Tyr503_Phe504insAlaTyr (NM_001093772.2, NM_001385285.1, NM_001385286.1); c.1507_1512dup, p.Tyr504_Phe505insAlaTyr (NM_001385284.1, NM_001385288.1, NM_001385290.1 and 1 more transcripts).
Identifiers: ClinVar variation 2576849 (VCV002576849.2), dbSNP rs2109769587, ClinGen allele CA645516719.

ClinVar aggregate classification (germline): Uncertain significance (1 of 4 stars; one submission).
ClinVar aggregate classification (oncogenicity): Uncertain significance (0 of 4 stars; one submission).

Conditions:
Gastrointestinal stromal tumor. Also called: Gastrointestinal stromal tumor, somatic; Gastrointestinal stroma tumor. Identifiers: Orphanet 44890, MedGen C0238198, MeSH D046152, MONDO:0011719, OMIM 606764, HP:0100723.

Submissions (2):

GeneDx
Classification: Uncertain significance. Last evaluated: 2023-02-15. Review status: criteria provided, single submitter. Criteria: GeneDx Variant Classification Process June 2021. Collection method: clinical testing. Allele origin: germline. Affected: yes.
Comment: Not observed at significant frequency in large population cohorts (gnomAD); In-frame insertion of 2 amino acids in a non-repeat region; Has not been previously published as pathogenic or benign to our knowledge

National Institute of Cancer Research, National Health Research Institutes
Classification: Uncertain significance for Gastrointestinal stromal tumor. Review status: no assertion criteria provided. Collection method: research. Allele origin: somatic. Affected: yes. Observed: 17 variant alleles.
Comment: clinical data